The following is an entry in ClinVar:

ClinVar aggregate classification (germline): Conflicting classifications of pathogenicity. Review status: criteria provided, conflicting classifications (1 of 4 stars). 4 submissions from 4 submitters: Uncertain significance (3); Likely benign (1). Last evaluated 2026-05-11.

Conditions:
ADGRV1-related disorder. Also called: ADGRV1-related condition; ADGRV1-related disorders.

Allele frequency attached by ClinVar (database versions not stated): ExAC 0.00002; ESP Exome Variant Server 0.00008; TOPMed 0.00008; gnomAD 0.00012 and 0.00014.
gnomAD v4.1: 30 of 1,613,658 alleles (0.0019%); highest among the groups gnomAD compares: African/African-American, 0.028%; no homozygotes.

Submissions (4):

PreventionGenetics, part of Exact Sciences
Classification: Uncertain significance for ADGRV1-related condition. Last evaluated: 2026-05-11. Review status: criteria provided, single submitter. Criteria: ACMG Guidelines, 2015. Collection method: clinical testing. Allele origin: germline.
Comment: The ADGRV1 c.5156C>T variant is predicted to result in the amino acid substitution p.Ala1719Val. To our knowledge, this variant has not been reported in the literature. This variant is reported in 0.029% of alleles in individuals of African descent in gnomAD. At this time, the clinical significance of this variant is uncertain due to the absence of conclusive functional and genetic evidence.

Labcorp Genetics (formerly Invitae), Labcorp
Classification: Likely benign. Last evaluated: 2025-12-03. Review status: criteria provided, single submitter. Criteria: Invitae Variant Classification Sherloc (09022015). Collection method: clinical testing. Allele origin: germline.

Blueprint Genetics
Classification: Uncertain significance. Last evaluated: 2022-03-25. Review status: criteria provided, single submitter. Criteria: ACMG Guidelines, 2015. Collection method: clinical testing. Allele origin: germline.

GeneDx
Classification: Uncertain significance. Last evaluated: 2021-08-19. Review status: criteria provided, single submitter. Criteria: GeneDx Variant Classification Process June 2021. Collection method: clinical testing. Allele origin: germline. Affected: yes.
Comment: In silico analysis supports that this missense variant does not alter protein structure/function; Has not been previously published as pathogenic or benign to our knowledge

NM_032119.4(ADGRV1):c.5156C>T (p.Ala1719Val)

Gene: ADGRV1 (adhesion G protein-coupled receptor V1; plus strand). Cytogenetic location: 5q14.3.
Variant type: single nucleotide variant.
Coding change: c.5156C>T on transcript NM_032119.4 (MANE Select); coding-DNA position 5156, C replaced by T.
Protein change: p.Ala1719Val; replaces alanine 1719 with valine.
Molecular consequence: missense variant. On other transcripts: non-coding transcript variant (1).
Genome position (GRCh38, 1-based): chr5:90,675,288, C>T. VCF-style: chr5-90675288-C-T. GRCh37 (hg19) VCF-style: chr5-89971105-C-T.
Other names: short protein forms A1719V.
Identifiers: ClinVar variation 849359 (VCV000849359.12), dbSNP rs376126357, ClinGen allele CA3339507.